The following is an entry in ClinVar:

ClinVar aggregate classification (germline): Likely benign. Review status: criteria provided, multiple submitters, no conflicts (2 of 4 stars). 2 submissions from 2 submitters: Likely benign (2). Last evaluated 2025-07-27.

Allele frequency attached by ClinVar (database versions not stated): ExAC 0.00001; gnomAD exomes 0.00002 and 0.00004; gnomAD 0.00004; TOPMed 0.00006; ESP Exome Variant Server 0.00008.
gnomAD v4.1: 65 of 1,613,576 alleles (0.004%); highest among the groups gnomAD compares: African/African-American, 0.008%; no homozygotes.

Submissions (2):

Labcorp Genetics (formerly Invitae), Labcorp
Classification: Likely benign. Last evaluated: 2025-07-27. Review status: criteria provided, single submitter. Criteria: Invitae Variant Classification Sherloc (09022015). Collection method: clinical testing. Allele origin: germline.

CeGaT Center for Human Genetics Tuebingen
Classification: Likely benign. Last evaluated: 2024-01-01. Review status: criteria provided, single submitter. Criteria: CeGaT Center For Human Genetics Tuebingen Variant Classification Criteria Version 2. Collection method: clinical testing. Allele origin: germline. Affected: yes. Observed: 1 variant allele.
Comment: SLC9A3: BP4, BP7

NM_004174.4(SLC9A3):c.1509C>G (p.Leu503=)

Gene: SLC9A3 (solute carrier family 9 member A3). Cytogenetic location: 5p15.33.
Variant type: single nucleotide variant.
Coding change: c.1509C>G on transcript NM_004174.4 (MANE Select); coding-DNA position 1509, C replaced by G.
Protein change: p.Leu503=; no amino-acid change (leucine 503 retained).
Molecular consequence: synonymous variant.
Genome position (GRCh38, 1-based): chr5:481,573, G>C on the plus strand (C>G on the coding strand, the complement: SLC9A3 is on the minus strand). VCF-style: chr5-481573-G-C. GRCh37 (hg19) VCF-style: chr5-481688-G-C.
Other names: c.1482C>G, p.Leu494= (NM_001284351.3).
Identifiers: ClinVar variation 1615255 (VCV001615255.30), dbSNP rs371452813, ClinGen allele CA3175862.
Genomic context (GRCh38, chr5:481,573, plus strand): 5'-GTTTCCAGAAGCCGGGCTGTGCGACACCGCCGGGGCCGTCCCAGCCACTTACTTGTCTCT[G>C]AGATAATTGTGCCCGATCTGTCCGGATATGTCCTCGATGGCCGAGAGGATGTGGTCGAAA-3'
Protein context (NP_004165.2, residues 493-513): DISGQIGHNY[Leu503=]RDKWSHFDRK